The following is an entry in ClinVar:

ClinVar aggregate classification (germline): Uncertain significance (1 of 4 stars; one submission).

Conditions:
Cardiovascular phenotype. Identifiers: MedGen CN230736.

gnomAD v4.1: 1 of 1,614,140 alleles (0.000062%); highest among the groups gnomAD compares: Non-Finnish European, 0.000085%; no homozygotes.

Submission:

Ambry Genetics
Classification: Uncertain significance for Cardiovascular phenotype. Last evaluated: 2026-06-25. Review status: criteria provided, single submitter. Criteria: Ambry Variant Classification Scheme 2023. Collection method: clinical testing. Allele origin: germline.
Comment: The p.Y541C variant (also known as c.1622A>G), located in coding exon 13 of the DSP gene, results from an A to G substitution at nucleotide position 1622. The tyrosine at codon 541 is replaced by cysteine, an amino acid with highly dissimilar properties. This amino acid position is conserved. In addition, this alteration is predicted to be deleterious by in silico analysis. Based on the available evidence, the clinical significance of this variant remains unclear.

NM_004415.4(DSP):c.1622A>G (p.Tyr541Cys)

Gene: DSP (desmoplakin; plus strand). Cytogenetic location: 6p24.3.
Variant type: single nucleotide variant.
Coding change: c.1622A>G on transcript NM_004415.4 (MANE Select); coding-DNA position 1622, A replaced by G.
Protein change: p.Tyr541Cys; replaces tyrosine 541 with cysteine.
Molecular consequence: missense variant.
Genome position (GRCh38, 1-based): chr6:7,570,484, A>G. VCF-style: chr6-7570484-A-G. GRCh37 (hg19) VCF-style: chr6-7570717-A-G.
Other names: c.1622A>G, p.Tyr541Cys (NM_001008844.3, NM_001319034.2); short protein forms Y541C.
Identifiers: ClinVar variation 5035633 (VCV005035633.1).